The following is an entry in ClinVar:

ClinVar aggregate classification (germline): Pathogenic. Review status: criteria provided, multiple submitters, no conflicts (2 of 4 stars). 2 submissions from 2 submitters: Pathogenic (2). Last evaluated 2023-03-07.

Conditions:
Gastrointestinal stromal tumor. Also called: Gastrointestinal stromal tumor, somatic; Gastrointestinal stroma tumor. Identifiers: Orphanet 44890, MedGen C0238198, MeSH D046152, MONDO:0011719, OMIM 606764, HP:0100723.
Pheochromocytoma/paraganglioma syndrome 3. Also called: GLOMUS TUMORS, FAMILIAL, 3; Paragangliomas 3; SDHC-Related Hereditary Paraganglioma-Pheochromocytoma Syndrome (Paragangliomas 3); SDHC-Related Hereditary Paraganglioma-Pheochromocytoma Syndrome. Identifiers: Orphanet 29072, MedGen C1854336, MONDO:0011544, OMIM 605373.

Submissions (2):

Labcorp Genetics (formerly Invitae), Labcorp
Classification: Pathogenic for Pheochromocytoma/paraganglioma syndrome 3; Gastrointestinal stromal tumor. Last evaluated: 2023-03-07. Review status: criteria provided, single submitter. Criteria: Invitae Variant Classification Sherloc (09022015). Collection method: clinical testing. Allele origin: germline.
Comment: For these reasons, this variant has been classified as Pathogenic. This variant has not been reported in the literature in individuals affected with SDHC-related conditions. This variant is not present in population databases (gnomAD no frequency). This sequence change creates a premature translational stop signal (p.Tyr59*) in the SDHC gene. It is expected to result in an absent or disrupted protein product. Loss-of-function variants in SDHC are known to be pathogenic (PMID: 17667967, 19454582, 23282968, 24758179).

Myriad Genetics, Inc.
Classification: Pathogenic for Pheochromocytoma/paraganglioma syndrome 3. Last evaluated: 2023-02-09. Review status: criteria provided, single submitter. Criteria: Myriad Autosomal Dominant, Autosomal Recessive and X-Linked Classification Criteria (2023). Collection method: clinical testing. Allele origin: unknown.
Comment: This variant is considered pathogenic. This variant creates a termination codon and is predicted to result in premature protein truncation.

Literature cited by the submitters: PubMed 17667967 (cited by Labcorp Genetics (formerly Invitae), Labcorp); PubMed 19454582 (cited by Labcorp Genetics (formerly Invitae), Labcorp); PubMed 23282968 (cited by Labcorp Genetics (formerly Invitae), Labcorp); PubMed 24758179 (cited by Labcorp Genetics (formerly Invitae), Labcorp).

NM_003001.5(SDHC):c.177C>A (p.Tyr59Ter)

Gene: SDHC (succinate dehydrogenase complex subunit C; plus strand). Cytogenetic location: 1q23.3.
Variant type: single nucleotide variant.
Coding change: c.177C>A on transcript NM_003001.5 (MANE Select); coding-DNA position 177, C replaced by A.
Protein change: p.Tyr59Ter; replaces tyrosine 59 with a stop codon.
Molecular consequence: nonsense. On other transcripts: non-coding transcript variant (1), intron variant (4).
Genome position (GRCh38, 1-based): chr1:161,328,495, C>A. VCF-style: chr1-161328495-C-A. GRCh37 (hg19) VCF-style: chr1-161298285-C-A.
Other names: c.177C>A, p.Tyr59Ter (NM_001035511.3, NM_001407115.1); c.120C>A, p.Tyr40Ter (NM_001407116.1, NM_001407117.1, NM_001407121.1); c.66C>A, p.Tyr22Ter (NM_001407119.1, NM_001407120.1); c.77+4825C>A (NM_001035512.3, NM_001278172.3, NM_001407118.1); c.21-12099C>A (NM_001035513.3); short protein forms Y22*, Y40*, Y59*.
Identifiers: ClinVar variation 2573308 (VCV002573308.4), dbSNP rs1571851717, ClinGen allele CA343361375.